The following is an entry in ClinVar:

NM_001039958.2(MESP2):c.332C>A (p.Ser111Tyr)

Genes: MESP2 (mesoderm posterior bHLH transcription factor 2; plus strand), LOC130057891 (ATAC-STARR-seq lymphoblastoid silent region 6806; plus strand). Cytogenetic location: 15q26.1.
Variant type: single nucleotide variant.
Coding change: c.332C>A on transcript NM_001039958.2 (MANE Select); coding-DNA position 332, C replaced by A.
Protein change: p.Ser111Tyr; replaces serine 111 with tyrosine.
Molecular consequence: missense variant.
Genome position (GRCh38, 1-based): chr15:89,776,689, C>A. VCF-style: chr15-89776689-C-A. GRCh37 (hg19) VCF-style: chr15-90319920-C-A.
Other names: short protein forms S111Y.
Identifiers: ClinVar variation 2162900 (VCV002162900.1), dbSNP rs1054658105, ClinGen allele CA393769695.
Genomic context (GRCh38, chr15:89,776,689, plus strand): 5'-AACTGCGCATGCGCACGCTGGCCCGCGCCCTGCACGAGTTGCGCCGCTTTCTGCCTCCCT[C>A]CTTGGCGCCGGCCGGCCAGAGCCTGACCAAGATCGAGACGCTGCGCCTGGCCATCCGCTA-3'
Protein context (NP_001035047.1, residues 101-121): LHELRRFLPP[Ser111Tyr]LAPAGQSLTK

ClinVar aggregate classification (germline): Uncertain significance (1 of 4 stars; one submission).

Allele frequency attached by ClinVar (database versions not stated): gnomAD exomes below 0.00001; gnomAD 0.00001; TOPMed 0.00001.

Submission:

Labcorp Genetics (formerly Invitae), Labcorp
Classification: Uncertain significance. Last evaluated: 2022-01-13. Review status: criteria provided, single submitter. Criteria: Invitae Variant Classification Sherloc (09022015). Collection method: clinical testing. Allele origin: germline.
Comment: This sequence change replaces serine, which is neutral and polar, with tyrosine, which is neutral and polar, at codon 111 of the MESP2 protein (p.Ser111Tyr). This variant is not present in population databases (gnomAD no frequency). This variant has not been reported in the literature in individuals affected with MESP2-related conditions. Algorithms developed to predict the effect of missense changes on protein structure and function are either unavailable or do not agree on the potential impact of this missense change (SIFT: "Deleterious"; PolyPhen-2: "Possibly Damaging"; Align-GVGD: "Class C15"). In summary, the available evidence is currently insufficient to determine the role of this variant in disease. Therefore, it has been classified as a Variant of Uncertain Significance.